The following is an entry in ClinVar:

NM_004544.4(NDUFA10):c.805-263G>A

Gene: NDUFA10 (NADH:ubiquinone oxidoreductase subunit A10; minus strand). Cytogenetic location: 2q37.3.
Variant type: single nucleotide variant.
Coding change: c.805-263G>A on transcript NM_004544.4 (MANE Select); 263 bases into the intron before coding-DNA position 805, G replaced by A.
Molecular consequence: intron variant.
Genome position (GRCh38, 1-based): chr2:240,005,558, C>T on the plus strand (G>A on the coding strand, the complement: NDUFA10 is on the minus strand). VCF-style: chr2-240005558-C-T. GRCh37 (hg19) VCF-style: chr2-240944975-C-T.
Other names: c.805-263G>A (NM_001322020.2, NM_001322019.2).
Identifiers: ClinVar variation 669885 (VCV000669885.1), dbSNP rs10202586, ClinGen allele CA11104629.

ClinVar aggregate classification (germline): Benign (1 of 4 stars; one submission).

Allele frequency attached by ClinVar (database versions not stated): TOPMed 0.69729; gnomAD 0.69822 and 0.70382; 1000 Genomes Project 30x 0.69847; 1000 Genomes Project 0.70148.
gnomAD v4.1: 106,011 of 151,940 alleles (70%); highest among the groups gnomAD compares: African/African-American, 79%; 37,329 homozygotes.

Submission:

GeneDx
Classification: Benign. Last evaluated: 2018-06-14. Review status: criteria provided, single submitter. Criteria: GeneDx Variant Classification (06012015). Collection method: clinical testing. Allele origin: germline. Affected: yes.
Comment: This variant is considered likely benign or benign based on one or more of the following criteria: it is a conservative change, it occurs at a poorly conserved position in the protein, it is predicted to be benign by multiple in silico algorithms, and/or has population frequency not consistent with disease.